The following is an entry in ClinVar:

ClinVar aggregate classification (germline): Benign/Likely benign. Review status: criteria provided, multiple submitters, no conflicts (2 of 4 stars). 3 submissions from 3 submitters: Benign (1); Likely benign (1). 1 of the submissions does not count toward it. Last evaluated 2026-01-19.

Conditions:
SPEG-related disorder. Also called: SPEG-related condition.

Allele frequency attached by ClinVar (database versions not stated): gnomAD 0.00029 and 0.00054; ESP Exome Variant Server 0.00033; TOPMed 0.00036; 1000 Genomes Project 30x 0.00078; 1000 Genomes Project 0.00080; gnomAD exomes 0.00083 and 0.00137; ExAC 0.00137.
gnomAD v4.1: 1,295 of 1,604,122 alleles (0.081%); highest among the groups gnomAD compares: South Asian, 0.87%; 14 homozygotes.

Submissions (3):

Labcorp Genetics (formerly Invitae), Labcorp
Classification: Benign. Last evaluated: 2026-01-19. Review status: criteria provided, single submitter. Criteria: Invitae Variant Classification Sherloc (09022015). Collection method: clinical testing. Allele origin: germline.

CeGaT Center for Human Genetics Tuebingen
Classification: Likely benign. Last evaluated: 2025-05-01. Review status: criteria provided, single submitter. Criteria: CeGaT Center For Human Genetics Tuebingen Variant Classification Criteria Version 2. Collection method: clinical testing. Allele origin: germline. Affected: yes. Observed: 5 variant alleles.
Comment: SPEG: BP4, BP7, BS2

PreventionGenetics, part of Exact Sciences
Classification: Benign for SPEG-related condition. Last evaluated: 2019-05-06. Review status: no assertion criteria provided. Collection method: clinical testing. Allele origin: germline. Not counted in ClinVar's aggregate classification.
Comment: This variant is classified as benign based on ACMG/AMP sequence variant interpretation guidelines (Richards et al. 2015 PMID: 25741868, with internal and published modifications).

NM_005876.5(SPEG):c.2943C>T (p.Ala981=)

Gene: SPEG (striated muscle enriched protein kinase; plus strand). Cytogenetic location: 2q35.
Variant type: single nucleotide variant.
Coding change: c.2943C>T on transcript NM_005876.5 (MANE Select); coding-DNA position 2943, C replaced by T.
Protein change: p.Ala981=; no amino-acid change (alanine 981 retained).
Molecular consequence: synonymous variant.
Genome position (GRCh38, 1-based): chr2:219,467,235, C>T. VCF-style: chr2-219467235-C-T. GRCh37 (hg19) VCF-style: chr2-220331957-C-T.
Identifiers: ClinVar variation 728733 (VCV000728733.47), dbSNP rs372494202, ClinGen allele CA2126035.